The following is an entry in ClinVar:

ClinVar aggregate classification (germline): Pathogenic/Likely pathogenic. Review status: criteria provided, multiple submitters, no conflicts (2 of 4 stars). 2 submissions from 2 submitters: Pathogenic (1); Likely pathogenic (1). Last evaluated 2021-06-02.

Conditions:
Hereditary cancer-predisposing syndrome. Also called: Neoplastic Syndromes, Hereditary; Hereditary Cancer Syndrome; Tumor predisposition; Hereditary neoplastic syndrome. Identifiers: Orphanet 140162, MedGen C0027672, MeSH D009386, MONDO:0015356.
Cardiovascular phenotype. Identifiers: MedGen CN230736.

Submissions (2):

Ambry Genetics
Classification: Pathogenic for Cardiovascular phenotype; Hereditary cancer-predisposing syndrome. Last evaluated: 2021-06-02. Review status: criteria provided, single submitter. Criteria: Ambry Variant Classification Scheme 2023. Collection method: clinical testing. Allele origin: germline.
Comment: The c.7584delA pathogenic mutation, located in coding exon 51 of the NF1 gene, results from a deletion of one nucleotide at nucleotide position 7584, causing a translational frameshift with a predicted alternate stop codon (p.D2529Tfs*20). This alteration has been described in an individual with at least 5 cafe-au-lait macules (Castellanos E et al. Clin Genet, 2020 02;97:264-275). In addition to the clinical data presented in the literature, This alteration is expected to result in loss of function by premature protein truncation or nonsense-mediated mRNA decay. As such, this alteration is interpreted as a disease-causing mutation.

Athena Diagnostics
Classification: Likely pathogenic. Last evaluated: 2019-08-13. Review status: criteria provided, single submitter. Criteria: Athena Diagnostics Criteria. Collection method: clinical testing. Allele origin: germline.
Comment: The variant results in a shift of the reading frame, and is therefore predicted to result in the loss of a functional protein. Not found in the total gnomAD dataset, and the data is high quality (0/282466 chr).

NM_001042492.3(NF1):c.7647del (p.Asp2550fs)

Gene: NF1 (neurofibromin 1; plus strand). Cytogenetic location: 17q11.2.
Variant type: Deletion.
Coding change: c.7647del on transcript NM_001042492.3 (MANE Select); coding-DNA position 7647, one base deleted (A; older notation c.7647delA).
Protein change: p.Asp2550fs; shifts the reading frame from aspartic acid 2550.
Molecular consequence: frameshift variant.
Genome position (GRCh38, 1-based): chr17:31,356,491, A deleted. VCF-style (leftmost placement, unchanged base first): chr17-31356490-CA-C. GRCh37 (hg19) VCF-style: chr17-29683508-CA-C.
Other names: c.7584delA (NM_000267.3); c.7584delA, p.Asp2529Thrfs (NM_000267.4); short protein forms D2550fs, D2529fs.
Identifiers: ClinVar variation 805085 (VCV000805085.3), dbSNP rs1597865773, ClinGen allele CA915949880.